The following is an entry in ClinVar:

ClinVar aggregate classification (germline): Pathogenic. Review status: criteria provided, multiple submitters, no conflicts (2 of 4 stars). 2 submissions from 2 submitters: Pathogenic (2). Last evaluated 2024-01-28.

Conditions:
Osteogenesis imperfecta type I (OI1). Also called: Lobstein disease; OI, TYPE I; OSTEOGENESIS IMPERFECTA TARDA; OSTEOGENESIS IMPERFECTA WITH BLUE SCLERAE; Osteogenesis imperfecta type 1; Lobstein's Disease. Identifiers: Orphanet 216796, Orphanet 666, MedGen C0023931, MONDO:0008146, OMIM 166200. Disease mechanism: loss of function.
Ehlers-Danlos syndrome, classic type, 1 (EDSCL1). Also called: EDS I; EHLERS-DANLOS SYNDROME, GRAVIS TYPE; EHLERS-DANLOS SYNDROME, SEVERE CLASSIC TYPE; Ehlers-Danlos syndrome, type 1; Ehlers-Danlos Syndrome, Classic Type, COL5A1-Related. Identifiers: MedGen C0268335, MONDO:0019567, OMIM 130000.

Submissions (2):

Labcorp Genetics (formerly Invitae), Labcorp
Classification: Pathogenic for Osteogenesis imperfecta type I; Ehlers-Danlos syndrome, classic type, 1. Last evaluated: 2024-01-28. Review status: criteria provided, single submitter. Criteria: Invitae Variant Classification Sherloc (09022015). Collection method: clinical testing. Allele origin: germline.
Comment: This sequence change affects a donor splice site in intron 37 of the COL1A2 gene. It is expected to disrupt RNA splicing. Variants that disrupt the donor or acceptor splice site typically lead to a loss of protein function (PMID: 16199547), and loss-of-function variants in COL1A2 are known to be pathogenic (PMID: 11288717, 15077201). This variant is not present in population databases (gnomAD no frequency). Disruption of this splice site has been observed in individuals with autosomal dominant COL1A2-related conditions (PMID: 17078022, 21520333, 36140746). Algorithms developed to predict the effect of sequence changes on RNA splicing suggest that this variant may disrupt the consensus splice site. For these reasons, this variant has been classified as Pathogenic.

Revvity Omics, Revvity
Classification: Pathogenic. Last evaluated: 2023-12-14. Review status: criteria provided, single submitter. Criteria: ACMG Guidelines, 2015. Collection method: clinical testing. Allele origin: germline.

Literature cited by the submitters: PubMed 16199547 (cited by Labcorp Genetics (formerly Invitae), Labcorp); PubMed 11288717 (cited by Labcorp Genetics (formerly Invitae), Labcorp); PubMed 15077201 (cited by Labcorp Genetics (formerly Invitae), Labcorp); PubMed 17078022 (cited by Labcorp Genetics (formerly Invitae), Labcorp); PubMed 21520333 (cited by Labcorp Genetics (formerly Invitae), Labcorp); PubMed 36140746 (cited by Labcorp Genetics (formerly Invitae), Labcorp).

NM_000089.4(COL1A2):c.2295+1G>A

Gene: COL1A2 (collagen type I alpha 2 chain; plus strand). Cytogenetic location: 7q21.3.
Variant type: single nucleotide variant.
Coding change: c.2295+1G>A on transcript NM_000089.4 (MANE Select); the canonical splice donor site of the intron after coding-DNA position 2295, G replaced by A.
Molecular consequence: splice donor variant.
Genome position (GRCh38, 1-based): chr7:94,420,649, G>A. VCF-style: chr7-94420649-G-A. GRCh37 (hg19) VCF-style: chr7-94049961-G-A.
Identifiers: ClinVar variation 2923756 (VCV002923756.4), dbSNP rs72658180, ClinGen allele CA368223643.